The following is an entry in ClinVar:

NM_000059.4(BRCA2):c.9235del (p.Val3079fs)

Gene: BRCA2 (BRCA2 DNA repair associated; plus strand). Cytogenetic location: 13q13.1.
Variant type: Deletion.
Coding change: c.9235del on transcript NM_000059.4 (MANE Select); coding-DNA position 9235, one base deleted (G; older notation c.9235delG).
Protein change: p.Val3079fs; shifts the reading frame from valine 3079.
Molecular consequence: frameshift variant.
Genome position (GRCh38, 1-based): chr13:32,380,124, G deleted. VCF-style (leftmost placement, unchanged base first): chr13-32380123-CG-C. GRCh37 (hg19) VCF-style: chr13-32954260-CG-C.
Other names: 9463delG; c.9235delG (NM_000059.3).
Identifiers: ClinVar variation 38221 (VCV000038221.43), dbSNP rs397507422, ClinGen allele CA026043.

ClinVar aggregate classification (germline): Pathogenic. Review status: reviewed by expert panel (3 of 4 stars). 18 submissions from 18 submitters: Pathogenic (1). 17 of the submissions do not count toward it. Last evaluated 2016-09-08.

Conditions:
BRCA2-related disorder. Also called: BRCA2-related condition; BRCA2-related disorders. Identifiers: MedGen CN239275.
Breast and/or ovarian cancer. Identifiers: MedGen CN221562.
Glioma susceptibility 3 (GLM3). Also called: Glioblastoma 3. Identifiers: Orphanet 182067, Orphanet 360, MedGen C2751641, MONDO:0013093, OMIM 613029.
Prostate cancer. Also called: Malignant tumor of prostate. Identifiers: Orphanet 1331, MedGen C0376358, MONDO:0008315, HP:0012125.
Breast-ovarian cancer, familial, susceptibility to, 2 (BROVCA2). Also called: BRCA2 Hereditary Breast and Ovarian Cancer. Identifiers: Orphanet 145, MedGen C2675520, MONDO:0012933, OMIM 612555. Disease mechanism: loss of function.
Wilms tumor 1 (WT1). Also called: Wilms tumor, somatic. Identifiers: Orphanet 654, MedGen CN033288, MONDO:0008679, OMIM 194070.
Medulloblastoma (MDB). Also called: MEDULLOBLASTOMA PREDISPOSITION SYNDROME; Medulloblastoma, somatic. Identifiers: Orphanet 616, MedGen C0025149, MeSH D008527, MONDO:0007959, OMIM 155255, HP:0002885.
Fanconi anemia complementation group D1. Also called: BRCA2-Related Fanconi Anemia. Identifiers: Orphanet 319462, MedGen C1838457, MONDO:0011584, OMIM 605724.
Familial cancer of breast. Also called: Hereditary breast cancer; hereditary breast carcinoma; BREAST CANCER, FAMILIAL. Identifiers: Orphanet 227535, MedGen C0346153, MONDO:0016419, OMIM 114480. Disease mechanism: loss of function.
Pancreatic cancer, susceptibility to, 2. Identifiers: Orphanet 1333, MedGen C3150546, MONDO:0013235, OMIM 613347.
Hereditary cancer-predisposing syndrome. Also called: Hereditary neoplastic syndrome; Hereditary Cancer Syndrome; Tumor predisposition; Neoplastic Syndromes, Hereditary. Identifiers: Orphanet 140162, MedGen C0027672, MeSH D009386, MONDO:0015356.
Polydactyly. Also called: polydactylism. Identifiers: MedGen C0152427, MONDO:0021003, OMIM 603596, HP:0010442.
Hereditary breast ovarian cancer syndrome. Also called: Breast and ovarian cancer; Hereditary breast and/or ovarian cancer syndrome; Hereditary breast and ovarian cancer; Hereditary breast and ovarian cancer syndrome; BRCA1- and BRCA2-Associated Hereditary Breast and Ovarian Cancer; Hereditary breast and ovarian cancer syndrome (HBOC). Identifiers: Orphanet 145, MedGen C0677776, MeSH D061325, MONDO:0003582. Disease mechanism: loss of function.

Allele frequency attached by ClinVar (database versions not stated): gnomAD exomes 0.00001 and 0.00003; TOPMed 0.00008; ExAC 0.00001; gnomAD 0.00003.

Submissions 1 to 10 of 18:

Evidence-based Network for the Interpretation of Germline Mutant Alleles (ENIGMA)
Classification: Pathogenic for Breast-ovarian cancer, familial, susceptibility to, 2. Last evaluated: 2016-09-08. Review status: reviewed by expert panel. Criteria: ENIGMA BRCA1/2 Classification Criteria (2015). Collection method: curation. Allele origin: germline.
Comment: Variant allele predicted to encode a truncated non-functional protein.

Labcorp Genetics (formerly Invitae), Labcorp
Classification: Pathogenic for Hereditary breast ovarian cancer syndrome. Last evaluated: 2025-10-13. Review status: criteria provided, single submitter. Criteria: Invitae Variant Classification Sherloc (09022015). Collection method: clinical testing. Allele origin: germline. Not counted in ClinVar's aggregate classification.
Comment: This sequence change creates a premature translational stop signal (p.Val3079Phefs*4) in the BRCA2 gene. It is expected to result in an absent or disrupted protein product. Loss-of-function variants in BRCA2 are known to be pathogenic (PMID: 20104584). This variant is present in population databases (rs397507422, gnomAD 0.02%). This premature translational stop signal has been observed in individual(s) with ovarian cancer (PMID: 25236687). This variant is also known as 9463delG. ClinVar contains an entry for this variant (Variation ID: 38221). For these reasons, this variant has been classified as Pathogenic.

PreventionGenetics, part of Exact Sciences
Classification: Pathogenic for BRCA2-related condition. Last evaluated: 2025-09-30. Review status: criteria provided, single submitter. Criteria: ACMG Guidelines, 2015. Collection method: clinical testing. Allele origin: germline. Not counted in ClinVar's aggregate classification.
Comment: The BRCA2 c.9235delG variant is predicted to result in a frameshift and premature protein termination (p.Val3079Phefs*4). This variant, also known as 9463delG, has been reported in individuals with breast and/or ovarian cancer (see, for example, eTable 3, Crawford et al. 2017. PubMed ID: 28281021; Rebbeck et al. 2018. PubMed ID: 29446198; Fernández-Lopez et al. 2019. PubMed ID: 30630528; Supplemental Table3, Ren et al. 2021. PubMed ID: 34196900; Godinez Paredes et al. 2024. PubMed ID: 38520597). This variant is reported in 0.020% of alleles in individuals of Latino descent in gnomAD. In ClinVar, this variant is interpreted as pathogenic (ClinVar ID: 38221). Frameshift variants in BRCA2 are expected to be pathogenic. This variant is interpreted as pathogenic.

Quest Diagnostics Nichols Institute San Juan Capistrano
Classification: Pathogenic. Last evaluated: 2025-08-26. Review status: criteria provided, single submitter. Criteria: Quest Diagnostics criteria. Collection method: clinical testing. Allele origin: unknown. Not counted in ClinVar's aggregate classification.
Comment: The BRCA2 c.9235del (p.Val3079Phefs*4) variant alters the translational reading frame of the BRCA2 mRNA and causes the premature termination of BRCA2 protein synthesis. This variant has been reported in the published literature in individuals with ovarian cancer (PMID: 25236687 (2015)) and breast cancer (PMID: 38520597 (2024), 34196900 (2021)). The frequency of this variant in the general population (Genome Aggregation Database) is consistent with pathogenicity. Based on the available information, this variant is classified as pathogenic.

Ambry Genetics
Classification: Pathogenic for Hereditary cancer-predisposing syndrome. Last evaluated: 2025-08-01. Review status: criteria provided, single submitter. Criteria: Ambry Variant Classification Scheme 2023. Collection method: clinical testing. Allele origin: germline. Not counted in ClinVar's aggregate classification.
Comment: The c.9235delG pathogenic mutation, located in coding exon 23 of the BRCA2 gene, results from a deletion of one nucleotide at nucleotide position 9235, causing a translational frameshift with a predicted alternate stop codon (p.V3079Ffs*4). This alteration is expected to result in loss of function by premature protein truncation or nonsense-mediated mRNA decay. As such, this alteration is interpreted as a disease-causing mutation.

GeneDx
Classification: Pathogenic. Last evaluated: 2023-11-28. Review status: criteria provided, single submitter. Criteria: GeneDx Variant Classification Process June 2021. Collection method: clinical testing. Allele origin: germline. Affected: yes. Not counted in ClinVar's aggregate classification.
Comment: Frameshift variant predicted to result in protein truncation or nonsense mediated decay in a gene for which loss-of-function is a known mechanism of disease; Not observed at a significant frequency in large population cohorts (gnomAD); Truncating variants in this gene are considered pathogenic by a well-established clinical consortium and/or database; Also known as 9463del; This variant is associated with the following publications: (PMID: 26564481, 29922827, 25236687, 26295337, 30720243, 30630528, 30787465, 34196900, 32191290, 28281021, 29446198, 31853058, 20104584, 36232851, 32064343, 37664050)

Baylor Genetics
Classification: Pathogenic for Familial cancer of breast. Last evaluated: 2022-12-08. Review status: criteria provided, single submitter. Criteria: ACMG Guidelines, 2015. Collection method: clinical testing. Allele origin: unknown. Not counted in ClinVar's aggregate classification.

Institute for Biomarker Research, Medical Diagnostic Laboratories, L.L.C.
Classification: Likely pathogenic for Hereditary breast ovarian cancer syndrome. Last evaluated: 2022-06-02. Review status: criteria provided, single submitter. Criteria: ACMG Guidelines, 2015. Collection method: clinical testing. Allele origin: germline. Not counted in ClinVar's aggregate classification.

Fulgent Genetics
Classification: Pathogenic for Familial cancer of breast; Medulloblastoma; Familial prostate cancer; Wilms tumor 1; Fanconi anemia complementation group D1; Breast-ovarian cancer, familial, susceptibility to, 2; Glioma susceptibility 3; Pancreatic cancer, susceptibility to, 2. Last evaluated: 2021-11-22. Review status: criteria provided, single submitter. Criteria: ACMG Guidelines, 2015. Collection method: clinical testing. Allele origin: unknown. Not counted in ClinVar's aggregate classification.

Women's Health and Genetics/Laboratory Corporation of America, LabCorp
Classification: Pathogenic for Hereditary breast ovarian cancer syndrome. Last evaluated: 2021-09-28. Review status: criteria provided, single submitter. Criteria: LabCorp Variant Classification Summary - May 2015. Collection method: clinical testing. Allele origin: germline. Not counted in ClinVar's aggregate classification.
Comment: Variant summary: BRCA2 c.9235delG (p.Val3079PhefsX4) results in a premature termination codon, predicted to cause a truncation of the encoded protein or absence of the protein due to nonsense mediated decay, which are commonly known mechanisms for disease. Truncations downstream of this position have been classified as pathogenic by our laboratory. The variant allele was found at a frequency of 3.2e-05 in 250876 control chromosomes, predominantly at a frequency of 0.0002 within the Latino subpopulation in the gnomAD database. c.9235delG has been reported in the literature in individuals affected with Hereditary Breast And Ovarian Cancer Syndrome (example, Villarreal-Garza 2015, Crawford 2017, Rebbeck 2018). These data indicate that the variant is associated with disease. To our knowledge, no experimental evidence demonstrating an impact on protein function has been reported. Multiple clinical diagnostic laboratories have submitted clinical-significance assessments for this variant to ClinVar after 2014 without evidence for independent evaluation. All laboratories classified the variant as pathogenic/likely pathogenic. Based on the evidence outlined above, the variant was classified as pathogenic.